The following is an entry in ClinVar:

NM_001378454.1(ALMS1):c.10226C>G (p.Ala3409Gly)

Gene: ALMS1 (ALMS1 centrosome and basal body associated protein; plus strand). Cytogenetic location: 2p13.1.
Variant type: single nucleotide variant.
Coding change: c.10226C>G on transcript NM_001378454.1 (MANE Select); coding-DNA position 10226, C replaced by G.
Protein change: p.Ala3409Gly; replaces alanine 3409 with glycine.
Molecular consequence: missense variant.
Genome position (GRCh38, 1-based): chr2:73,558,984, C>G. VCF-style: chr2-73558984-C-G. GRCh37 (hg19) VCF-style: chr2-73786111-C-G.
Other names: c.10229C>G, p.Ala3410Gly (NM_015120.4); short protein forms A3409G, A3410G.
Identifiers: ClinVar variation 1704093 (VCV001704093.7), dbSNP rs777417815, ClinGen allele CA1714946.

ClinVar aggregate classification (germline): Conflicting classifications of pathogenicity. Review status: criteria provided, conflicting classifications (1 of 4 stars). 3 submissions from 3 submitters: Uncertain significance (2); Likely benign (1). Last evaluated 2024-11-12.

Conditions:
Cardiovascular phenotype. Identifiers: MedGen CN230736.
Alstrom syndrome (ALMS). Identifiers: Orphanet 64, MedGen C0268425, MONDO:0008763, OMIM 203800.

Allele frequency attached by ClinVar (database versions not stated): ExAC 0.00001.
gnomAD v4.1: 5 of 1,613,986 alleles (0.00031%); highest among the groups gnomAD compares: Non-Finnish European, 0.00025%; no homozygotes.

Submissions (3):

Ambry Genetics
Classification: Likely benign for Cardiovascular phenotype. Last evaluated: 2024-11-12. Review status: criteria provided, single submitter. Criteria: Ambry Variant Classification Scheme 2023. Collection method: clinical testing. Allele origin: germline.

Labcorp Genetics (formerly Invitae), Labcorp
Classification: Uncertain significance for Alstrom syndrome. Last evaluated: 2022-10-05. Review status: criteria provided, single submitter. Criteria: Invitae Variant Classification Sherloc (09022015). Collection method: clinical testing. Allele origin: germline.
Comment: This sequence change replaces alanine, which is neutral and non-polar, with glycine, which is neutral and non-polar, at codon 3410 of the ALMS1 protein (p.Ala3410Gly). This variant is present in population databases (rs777417815, gnomAD 0.0009%). This variant has not been reported in the literature in individuals affected with ALMS1-related conditions. Experimental studies and prediction algorithms are not available or were not evaluated, and the functional significance of this variant is currently unknown. In summary, the available evidence is currently insufficient to determine the role of this variant in disease. Therefore, it has been classified as a Variant of Uncertain Significance.

GeneDx
Classification: Uncertain significance. Last evaluated: 2022-03-02. Review status: criteria provided, single submitter. Criteria: GeneDx Variant Classification Process June 2021. Collection method: clinical testing. Allele origin: germline. Affected: yes.
Comment: Not observed at significant frequency in large population cohorts (gnomAD); In silico analysis supports that this missense variant does not alter protein structure/function; Has not been previously published as pathogenic or benign to our knowledge